The following is an entry in ClinVar:

NM_178140.4(PDZD2):c.875A>G (p.His292Arg)

Gene: PDZD2 (PDZ domain containing 2; plus strand). Cytogenetic location: 5p13.3.
Variant type: single nucleotide variant.
Coding change: c.875A>G on transcript NM_178140.4 (MANE Select); coding-DNA position 875, A replaced by G.
Protein change: p.His292Arg; replaces histidine 292 with arginine.
Molecular consequence: missense variant.
Genome position (GRCh38, 1-based): chr5:31,983,553, A>G. VCF-style: chr5-31983553-A-G. GRCh37 (hg19) VCF-style: chr5-31983659-A-G.
Other names: short protein forms H292R.
Identifiers: ClinVar variation 3044477 (VCV003044477.2), dbSNP rs35992223, ClinGen allele CA3218677.

ClinVar aggregate classification (germline): Benign (0 of 4 stars; one submission).

Conditions:
PDZD2-related disorder. Also called: PDZD2-related condition.

Allele frequency attached by ClinVar (database versions not stated): 1000 Genomes Project 0.00459; gnomAD 0.00482; TOPMed 0.00512; 1000 Genomes Project 30x 0.00562; ESP Exome Variant Server 0.00577.
gnomAD v4.1: 1,381 of 1,614,208 alleles (0.086%); highest among the groups gnomAD compares: African/African-American, 1.6%; 14 homozygotes.

Submission:

PreventionGenetics, part of Exact Sciences
Classification: Benign for PDZD2-related condition. Last evaluated: 2019-02-18. Review status: no assertion criteria provided. Collection method: clinical testing. Allele origin: germline.
Comment: This variant is classified as benign based on ACMG/AMP sequence variant interpretation guidelines (Richards et al. 2015 PMID: 25741868, with internal and published modifications).